The following is an entry in ClinVar:

NM_002547.3(OPHN1):c.292G>A (p.Glu98Lys)

Gene: OPHN1 (oligophrenin 1; minus strand). Cytogenetic location: Xq12.
Variant type: single nucleotide variant.
Coding change: c.292G>A on transcript NM_002547.3 (MANE Select); coding-DNA position 292, G replaced by A.
Protein change: p.Glu98Lys; replaces glutamic acid 98 with lysine.
Molecular consequence: missense variant.
Genome position (GRCh38, 1-based): chrX:68,283,076, C>T on the plus strand (G>A on the coding strand, the complement: OPHN1 is on the minus strand). VCF-style: chrX-68283076-C-T. GRCh37 (hg19) VCF-style: chrX-67502918-C-T.
Other names: c.292G>A, p.Glu98Lys (NM_001437258.1); short protein forms E98K.
Identifiers: ClinVar variation 4736416 (VCV004736416.1).

ClinVar aggregate classification (germline): Uncertain significance (1 of 4 stars; one submission).

Submission:

Labcorp Genetics (formerly Invitae), Labcorp
Classification: Uncertain significance. Last evaluated: 2026-01-28. Review status: criteria provided, single submitter. Criteria: Invitae Variant Classification Sherloc (09022015). Collection method: clinical testing. Allele origin: germline.
Comment: This sequence change replaces glutamic acid, which is acidic and polar, with lysine, which is basic and polar, at codon 98 of the OPHN1 protein (p.Glu98Lys). This variant is not present in population databases (gnomAD no frequency). This variant has not been reported in the literature in individuals affected with OPHN1-related conditions. An algorithm developed to predict the effect of missense changes on protein structure and function (PolyPhen-2) suggests that this variant is likely to be tolerated. In summary, the available evidence is currently insufficient to determine the role of this variant in disease. Therefore, it has been classified as a Variant of Uncertain Significance.